The following is an entry in ClinVar:

NM_005560.6(LAMA5):c.2026C>T (p.Pro676Ser)

Gene: LAMA5 (laminin subunit alpha 5; minus strand). Cytogenetic location: 20q13.33.
Variant type: single nucleotide variant.
Coding change: c.2026C>T on transcript NM_005560.6 (MANE Select); coding-DNA position 2026, C replaced by T.
Protein change: p.Pro676Ser; replaces proline 676 with serine.
Molecular consequence: missense variant.
Genome position (GRCh38, 1-based): chr20:62,337,804, G>A on the plus strand (C>T on the coding strand, the complement: LAMA5 is on the minus strand). VCF-style: chr20-62337804-G-A. GRCh37 (hg19) VCF-style: chr20-60912860-G-A.
Other names: short protein forms P676S.
Identifiers: ClinVar variation 2140481 (VCV002140481.4), dbSNP rs762150047, ClinGen allele CA9943680.

ClinVar aggregate classification (germline): Uncertain significance (1 of 4 stars; one submission).

Allele frequency attached by ClinVar (database versions not stated): TOPMed below 0.00001; ExAC 0.00002.
gnomAD v4.1: 10 of 1,612,346 alleles (0.00062%); highest among the groups gnomAD compares: Admixed American, 0.0033%; no homozygotes.

Submission:

Labcorp Genetics (formerly Invitae), Labcorp
Classification: Uncertain significance. Last evaluated: 2024-10-28. Review status: criteria provided, single submitter. Criteria: Invitae Variant Classification Sherloc (09022015). Collection method: clinical testing. Allele origin: germline.
Comment: This sequence change replaces proline, which is neutral and non-polar, with serine, which is neutral and polar, at codon 676 of the LAMA5 protein (p.Pro676Ser). This variant is present in population databases (rs762150047, gnomAD 0.006%). This variant has not been reported in the literature in individuals affected with LAMA5-related conditions. ClinVar contains an entry for this variant (Variation ID: 2140481). An algorithm developed to predict the effect of missense changes on protein structure and function outputs the following: PolyPhen-2: "Possibly Damaging". The serine amino acid residue is found in multiple mammalian species, which suggests that this missense change does not adversely affect protein function. In summary, the available evidence is currently insufficient to determine the role of this variant in disease. Therefore, it has been classified as a Variant of Uncertain Significance.